The following is an entry in ClinVar:

ClinVar aggregate classification (germline): Likely pathogenic (1 of 4 stars; one submission).

Conditions:
Medium-chain acyl-coenzyme A dehydrogenase deficiency (ACADMD). Also called: ACADM DEFICIENCY; CARNITINE DEFICIENCY SECONDARY TO MEDIUM-CHAIN ACYL-CoA DEHYDROGENASE DEFICIENCY; Medium chain acyl-CoA dehydrogenase deficiency; MCADH DEFICIENCY; MCADD; MCAD Deficiency. Identifiers: Orphanet 42, MedGen C0220710, MONDO:0008721, OMIM 201450.

gnomAD v4.1: 2 of 1,613,918 alleles (0.00012%); highest among the groups gnomAD compares: East Asian, 0.0045%; no homozygotes.

Submission:

Natera, Inc.
Classification: Likely pathogenic for Medium Chain Acyl-CoA Dehydrogenase Deficiency. Last evaluated: 2025-05-15. Review status: criteria provided, single submitter. Criteria: Natera Variant Classification Schema (03/2026). Collection method: clinical testing. Allele origin: germline.
Comment: The c.275C>T variant in ACADM is a missense variant predicted to cause substitution of proline to leucine at amino acid 92. This variant is rare in the general population with a frequency below the threshold expected for the associated phenotype(s). This variant has been observed in one or more individuals affected with the associated recessive disease, as either homozygous or compound heterozygous with a second variant (PMID: 22796001, 27856190). Functional studies show that this variant may disrupt protein function (PMID: 26947917). Computational prediction algorithms indicate this variant is likely to affect gene or protein function. Given the available evidence, this variant is classified as Likely Pathogenic.

Literature cited by the submitters: PubMed 22796001; PubMed 27856190; PubMed 26947917.

NM_000016.6(ACADM):c.275C>T (p.Pro92Leu)

Gene: ACADM (acyl-CoA dehydrogenase medium chain; plus strand). Cytogenetic location: 1p31.1.
Variant type: single nucleotide variant.
Coding change: c.275C>T on transcript NM_000016.6 (MANE Select); coding-DNA position 275, C replaced by T.
Protein change: p.Pro92Leu; replaces proline 92 with leucine.
Molecular consequence: missense variant. On other transcripts: 5 prime UTR variant (1).
Genome position (GRCh38, 1-based): chr1:75,732,911, C>T. VCF-style: chr1-75732911-C-T. GRCh37 (hg19) VCF-style: chr1-76198596-C-T.
Other names: c.287C>T, p.Pro96Leu (NM_001127328.3); c.167C>T, p.Pro56Leu (NM_001286042.2); c.275C>T, p.Pro92Leu (NM_001286043.2); c.-111C>T (NM_001286044.2); short protein forms P56L, P92L, P96L.
Identifiers: ClinVar variation 4818236 (VCV004818236.1).